The following is an entry in ClinVar:

NM_001113378.2(FANCI):c.3709G>A (p.Ala1237Thr)

Gene: FANCI (FA complementation group I; plus strand). Cytogenetic location: 15q26.1.
Variant type: single nucleotide variant.
Coding change: c.3709G>A on transcript NM_001113378.2 (MANE Select); coding-DNA position 3709, G replaced by A.
Protein change: p.Ala1237Thr; replaces alanine 1237 with threonine.
Molecular consequence: missense variant.
Genome position (GRCh38, 1-based): chr15:89,312,961, G>A. VCF-style: chr15-89312961-G-A. GRCh37 (hg19) VCF-style: chr15-89856192-G-A.
Other names: c.3430G>A, p.Ala1144Thr (NM_001376910.1); c.3709G>A, p.Ala1237Thr (NM_001376911.1); c.3529G>A, p.Ala1177Thr (NM_018193.3); short protein forms A1144T, A1237T, A1177T.
Identifiers: ClinVar variation 1395384 (VCV001395384.6), dbSNP rs751025656, ClinGen allele CA393742900.

ClinVar aggregate classification (germline): Uncertain significance (1 of 4 stars; one submission).

Conditions:
Fanconi anemia (FA). Also called: Fanconi's anemia. Identifiers: Orphanet 84, MedGen C0015625, MeSH D005199, MONDO:0019391.

gnomAD v4.1: 3 of 1,614,018 alleles (0.00019%); highest among the groups gnomAD compares: Non-Finnish European, 0.00025%; no homozygotes.

Submission:

Labcorp Genetics (formerly Invitae), Labcorp
Classification: Uncertain significance for Fanconi anemia. Last evaluated: 2021-11-27. Review status: criteria provided, single submitter. Criteria: Invitae Variant Classification Sherloc (09022015). Collection method: clinical testing. Allele origin: germline.
Comment: In summary, the available evidence is currently insufficient to determine the role of this variant in disease. Therefore, it has been classified as a Variant of Uncertain Significance. Algorithms developed to predict the effect of missense changes on protein structure and function (SIFT, PolyPhen-2, Align-GVGD) all suggest that this variant is likely to be tolerated. This variant has not been reported in the literature in individuals affected with FANCI-related conditions. This variant is not present in population databases (gnomAD no frequency). This sequence change replaces alanine, which is neutral and non-polar, with threonine, which is neutral and polar, at codon 1237 of the FANCI protein (p.Ala1237Thr).